The following is an entry in ClinVar:

ClinVar aggregate classification (germline): Conflicting classifications of pathogenicity. Review status: criteria provided, conflicting classifications (1 of 4 stars). 5 submissions from 5 submitters: Uncertain significance (2); Likely benign (2). 1 of the submissions does not count toward it. Last evaluated 2026-02-02.

Conditions:
OTOGL-related disorder. Also called: OTOGL-related condition.

Allele frequency attached by ClinVar (database versions not stated): gnomAD exomes 0.00007; ExAC 0.00030; ESP Exome Variant Server 0.00037; gnomAD 0.00079 and 0.00080; TOPMed 0.00082; 1000 Genomes Project 30x 0.00109; 1000 Genomes Project 0.00120.
gnomAD v4.1: 174 of 1,432,178 alleles (0.012%); highest among the groups gnomAD compares: African/African-American, 0.19%; 2 homozygotes.

Submissions (5):

PreventionGenetics, part of Exact Sciences
Classification: Likely benign for OTOGL-related condition. Last evaluated: 2026-02-02. Review status: criteria provided, single submitter. Criteria: ACMG Guidelines, 2015. Collection method: clinical testing. Allele origin: germline.
Comment: This variant is classified as likely benign based on ACMG/AMP sequence variant interpretation guidelines (Richards et al. 2015 PMID: 25741868, with internal and published modifications).

GeneDx
Classification: Uncertain significance. Last evaluated: 2025-03-16. Review status: criteria provided, single submitter. Criteria: GeneDx Variant Classification Process June 2021. Collection method: clinical testing. Allele origin: germline. Affected: yes.
Comment: Reported as heterozygous in a patient with neonatal onset encephalopathy, brain atrophy with cerebellar malformation, and later-onset seizures who was also heterozygous for the p.(Q596H) variant; however, this patient harbored a homozygous nonsense variant in the TBCK gene which the authors concluded was likely the causative variant (PMID: 27040692); In silico analysis indicates that this missense variant does not alter protein structure/function; This variant is associated with the following publications: (PMID: 34515852, 27040692)

Labcorp Genetics (formerly Invitae), Labcorp
Classification: Uncertain significance. Last evaluated: 2022-05-22. Review status: criteria provided, single submitter. Criteria: Invitae Variant Classification Sherloc (09022015). Collection method: clinical testing. Allele origin: germline.
Comment: This sequence change replaces glutamine, which is neutral and polar, with histidine, which is basic and polar, at codon 1216 of the OTOGL protein (p.Gln1216His). This variant is present in population databases (rs139375212, gnomAD 0.2%). This variant has not been reported in the literature in individuals affected with OTOGL-related conditions. ClinVar contains an entry for this variant (Variation ID: 227822). Algorithms developed to predict the effect of missense changes on protein structure and function output the following: SIFT: "Deleterious"; PolyPhen-2: "Benign"; Align-GVGD: "Class C0". The histidine amino acid residue is found in multiple mammalian species, which suggests that this missense change does not adversely affect protein function. In summary, the available evidence is currently insufficient to determine the role of this variant in disease. Therefore, it has been classified as a Variant of Uncertain Significance.

Laboratory for Molecular Medicine, Mass General Brigham Personalized Medicine
Classification: Likely benign. Last evaluated: 2016-03-29. Review status: criteria provided, single submitter. Criteria: LMM Criteria. Collection method: clinical testing. Allele origin: germline. Observed: 1 variant allele.
Comment: p.Gln1216His in exon 32 of OTOGL: This variant is not expected to have clinical significance due to a lack of conservation across species, including mammals. Of note, five mammals (pig, hedgehog, elephant, elephant shrew, and platypus) have a histidine (His) at this position despite high nearby amino acid conservation. In addition, it has been identified in 4/2052 African chromosomes by the Exome Aggregation Consortium (ExAC; dbSNP rs139375212) .

Department of Pathology and Laboratory Medicine, Sinai Health System
Classification: Uncertain significance. Review status: no assertion criteria provided. Collection method: clinical testing. Allele origin: unknown. Affected: yes. Study: The Canadian Open Genetics Repository (COGR). Not counted in ClinVar's aggregate classification.
Comment: The OTOGL p.Gln1216His variant was identified in dbSNP (ID: rs139375212) and ClinVar (classified as likely benign by Laboratory for Molecular Medicine) but was not identified in LOVD 3.0. The variant was identified in the literature in a family with TBCK-associated infantile syndromic encephalopathy; the OTOGL variant was not expected to contribute to the phenotype (Chong_2016_PMID:27040692). The variant was identified in control databases in 26 of 111558 chromosomes at a frequency of 0.0002331 (Genome Aggregation Database March 6, 2019, v2.1.1). The variant was observed in the following populations: African in 24 of 12508 chromosomes (freq: 0.001919) and Latino in 2 of 8186 chromosomes (freq: 0.000244), but was not observed in the Ashkenazi Jewish, East Asian, European (Finnish), European (non-Finnish), Other, or South Asian populations. The p.Gln1216 residue is conserved in mammals but not in more distantly related organisms however three out of four computational analyses (SIFT, AlignGVGD, BLOSUM, MutationTaster) do not suggest a high likelihood of impact to the protein; this information is not predictive enough to rule out pathogenicity. The variant occurs outside of the splicing consensus sequence and in silico or computational prediction software programs (SpliceSiteFinder, MaxEntScan, NNSPLICE, GeneSplicer) do not predict a difference in splicing. In summary, based on the above information the clinical significance of this variant cannot be determined with certainty at this time. This variant is classified as a variant of uncertain significance.

NM_001378609.3(OTOGL):c.3675G>C (p.Gln1225His)

Gene: OTOGL (otogelin like; plus strand). Cytogenetic location: 12q21.31.
Variant type: single nucleotide variant.
Coding change: c.3675G>C on transcript NM_001378609.3 (MANE Select); coding-DNA position 3675, G replaced by C.
Protein change: p.Gln1225His; replaces glutamine 1225 with histidine.
Molecular consequence: missense variant.
Genome position (GRCh38, 1-based): chr12:80,318,586, G>C. VCF-style: chr12-80318586-G-C. GRCh37 (hg19) VCF-style: chr12-80712366-G-C.
Other names: c.3540G>C, p.Gln1180His (NM_001368062.3); c.3675G>C, p.Gln1225His (NM_001378610.3, NM_173591.7); short protein forms Q1216H, Q1180H, Q1225H.
Identifiers: ClinVar variation 227822 (VCV000227822.18), dbSNP rs139375212, ClinGen allele CA6701159.